The following is an entry in ClinVar:

ClinVar aggregate classification (germline): Uncertain significance (1 of 4 stars; one submission).

Allele frequency attached by ClinVar (database versions not stated): TOPMed 0.00004.
gnomAD v4.1: 20 of 1,460,374 alleles (0.0014%); highest among the groups gnomAD compares: African/African-American, 0.01%; no homozygotes.

Submission:

Labcorp Genetics (formerly Invitae), Labcorp
Classification: Uncertain significance. Last evaluated: 2025-09-02. Review status: criteria provided, single submitter. Criteria: Invitae Variant Classification Sherloc (09022015). Collection method: clinical testing. Allele origin: germline.
Comment: This sequence change replaces asparagine, which is neutral and polar, with serine, which is neutral and polar, at codon 66 of the RCOR1 protein (p.Asn66Ser). This variant is not present in population databases (gnomAD no frequency). This variant has not been reported in the literature in individuals affected with RCOR1-related conditions. ClinVar contains an entry for this variant (Variation ID: 1364436). An algorithm developed to predict the effect of missense changes on protein structure and function (PolyPhen-2) suggests that this variant is likely to be disruptive. In summary, the available evidence is currently insufficient to determine the role of this variant in disease. Therefore, it has been classified as a Variant of Uncertain Significance.

NM_015156.4(RCOR1):c.197A>G (p.Asn66Ser)

Genes: RCOR1 (REST corepressor 1; plus strand), LOC130056530 (ATAC-STARR-seq lymphoblastoid silent region 6127; plus strand). Cytogenetic location: 14q32.31.
Variant type: single nucleotide variant.
Coding change: c.197A>G on transcript NM_015156.4 (MANE Select); coding-DNA position 197, A replaced by G.
Protein change: p.Asn66Ser; replaces asparagine 66 with serine.
Molecular consequence: missense variant.
Genome position (GRCh38, 1-based): chr14:102,593,083, A>G. VCF-style: chr14-102593083-A-G. GRCh37 (hg19) VCF-style: chr14-103059420-A-G.
Other names: short protein forms N66S.
Identifiers: ClinVar variation 1364436 (VCV001364436.6), dbSNP rs772732625, ClinGen allele CA7358700.
Genomic context (GRCh38, chr14:102,593,083, plus strand): 5'-CCTCGGGCGCCGCCGCCTCCTCAGCCTCGGCCGCCGCCGCCTCAGCCGCCGCCGCCCCCA[A>G]TAATGGCCAGAATAAAAGTTTGGCGGCGGCGGCGCCCAATGGCAACAGCAGCAGCAACTC-3'
Protein context (NP_055971.2, residues 56-76): AAAASAAAAP[Asn66Ser]NGQNKSLAAA